The following is an entry in ClinVar:

ClinVar aggregate classification (germline): Uncertain significance (1 of 4 stars; one submission).

Submission:

GeneDx
Classification: Uncertain significance. Last evaluated: 2023-08-25. Review status: criteria provided, single submitter. Criteria: GeneDx Variant Classification Process June 2021. Collection method: clinical testing. Allele origin: germline. Affected: yes.
Comment: Not observed at significant frequency in large population cohorts (gnomAD); In silico analysis supports that this missense variant does not alter protein structure/function; Has not been previously published as pathogenic or benign to our knowledge

NM_001145358.2(SIN3A):c.656A>T (p.Gln219Leu)

Gene: SIN3A (SIN3 transcription regulator family member A; minus strand). Cytogenetic location: 15q24.2.
Variant type: single nucleotide variant.
Coding change: c.656A>T on transcript NM_001145358.2 (MANE Select); coding-DNA position 656, A replaced by T.
Protein change: p.Gln219Leu; replaces glutamine 219 with leucine.
Molecular consequence: missense variant.
Genome position (GRCh38, 1-based): chr15:75,412,863, T>A on the plus strand (A>T on the coding strand, the complement: SIN3A is on the minus strand). VCF-style: chr15-75412863-T-A. GRCh37 (hg19) VCF-style: chr15-75705204-T-A.
Other names: c.656A>T, p.Gln219Leu (NM_001145357.2, NM_015477.3); short protein forms Q219L.
Identifiers: ClinVar variation 2577819 (VCV002577819.1), dbSNP rs2542699358, ClinGen allele CA393450499.
Genomic context (GRCh38, chr15:75,412,863, plus strand): 5'-GCAGGAGCTGGGGCTGACTGGGCTGAAGGCTGGGAAGGATGTTGGGGTGGTGGTTGAGGC[T>A]GTGGCTGGATGCCATGGGTGGGAATCTGATGAACCTGGCCAGGAGTTGTCACATTCACCA-3'
Protein context (NP_001138830.1, residues 209-229): HQIPTHGIQP[Gln219Leu]PQPPPQHPSQ